The following is an entry in ClinVar:

NM_001291303.3(FAT4):c.1420G>A (p.Val474Ile)

Gene: FAT4 (FAT atypical cadherin 4; plus strand). Cytogenetic location: 4q28.1.
Variant type: single nucleotide variant.
Coding change: c.1420G>A on transcript NM_001291303.3 (MANE Select); coding-DNA position 1420, G replaced by A.
Protein change: p.Val474Ile; replaces valine 474 with isoleucine.
Molecular consequence: missense variant.
Genome position (GRCh38, 1-based): chr4:125,317,831, G>A. VCF-style: chr4-125317831-G-A. GRCh37 (hg19) VCF-style: chr4-126238986-G-A.
Other names: c.1420G>A, p.Val474Ile (NM_001291285.3, NM_024582.6); c.1420G>A (NM_024582.5, NM_024582.4); short protein forms V474I.
Identifiers: ClinVar variation 1589808 (VCV001589808.10), dbSNP rs753978592, ClinGen allele CA3071987.
Genomic context (GRCh38, chr4:125,317,831, plus strand): 5'-GCGCGCTCTTCTGTGGCAAGCCTGGTGATTTTTGTTAATGACATCAATGACCATCCTCCT[G>A]TCTTTTCACAGCAAGTGTACAGAGTGAACCTGAGCGAGGAGGCGCCTCCGGGAAGCTATG-3'
Protein context (NP_001278232.1, residues 464-484): FVNDINDHPP[Val474Ile]FSQQVYRVNL

ClinVar aggregate classification (germline): Conflicting classifications of pathogenicity. Review status: criteria provided, conflicting classifications (1 of 4 stars). 3 submissions from 3 submitters: Uncertain significance (2); Likely benign (1). Last evaluated 2026-04-16.

Conditions:
Van Maldergem syndrome 2 (VMLDS2). Identifiers: Orphanet 314679, MedGen C3809875, MONDO:0014242, OMIM 615546.
Hennekam lymphangiectasia-lymphedema syndrome 2 (HKLLS2). Identifiers: Orphanet 2136, MedGen C4014939, MONDO:0014454, OMIM 616006.

Allele frequency attached by ClinVar (database versions not stated): gnomAD 0.00003 and 0.00004; TOPMed 0.00010; ExAC 0.00014.
gnomAD v4.1: 56 of 1,614,090 alleles (0.0035%); highest among the groups gnomAD compares: Admixed American, 0.093%; no homozygotes.

Submissions (3):

GeneDx
Classification: Uncertain significance. Last evaluated: 2026-04-16. Review status: criteria provided, single submitter. Criteria: GeneDx Variant Classification Process June 2021. Collection method: clinical testing. Allele origin: germline.
Comment: In silico analysis suggests that this missense variant does not alter protein structure/function; Has not been previously published as pathogenic or benign to our knowledge

Labcorp Genetics (formerly Invitae), Labcorp
Classification: Likely benign. Last evaluated: 2026-01-15. Review status: criteria provided, single submitter. Criteria: Invitae Variant Classification Sherloc (09022015). Collection method: clinical testing. Allele origin: germline.

Fulgent Genetics
Classification: Uncertain significance for Van Maldergem syndrome 2; Hennekam lymphangiectasia-lymphedema syndrome 2. Last evaluated: 2024-01-15. Review status: criteria provided, single submitter. Criteria: ACMG Guidelines, 2015. Collection method: clinical testing. Allele origin: germline.